The following is an entry in ClinVar:

ClinVar aggregate classification (germline): Pathogenic/Likely pathogenic. Review status: criteria provided, multiple submitters, no conflicts (2 of 4 stars). 2 submissions from 2 submitters: Pathogenic (1); Likely pathogenic (1). Last evaluated 2025-04-18.

Conditions:
Pituitary adenoma 5, multiple types. Identifiers: MedGen C4539685, MONDO:0054601, OMIM 617540.

Submissions (2):

GeneDx
Classification: Pathogenic. Last evaluated: 2025-04-18. Review status: criteria provided, single submitter. Criteria: GeneDx Variant Classification Process June 2021. Collection method: clinical testing. Allele origin: germline. Affected: yes.
Comment: Canonical splice site variant predicted to result in a null allele in a gene for which loss of function is a known mechanism of disease; Not observed at significant frequency in large population cohorts (gnomAD); This variant is associated with the following publications: (PMID: 38711914)

Baylor Genetics
Classification: Likely pathogenic for Pituitary adenoma 5, multiple types. Last evaluated: 2022-04-23. Review status: criteria provided, single submitter. Criteria: ACMG Guidelines, 2015. Collection method: clinical testing. Allele origin: unknown.

NM_022124.6(CDH23):c.2953+1G>A

Gene: CDH23 (cadherin related 23; plus strand). Cytogenetic location: 10q22.1.
Variant type: single nucleotide variant.
Coding change: c.2953+1G>A on transcript NM_022124.6 (MANE Select); the canonical splice donor site of the intron after coding-DNA position 2953, G replaced by A.
Molecular consequence: splice donor variant.
Genome position (GRCh38, 1-based): chr10:71,705,131, G>A. VCF-style: chr10-71705131-G-A. GRCh37 (hg19) VCF-style: chr10-73464888-G-A.
Other names: c.2953+1G>A (NM_001171930.2, NM_001171931.2).
Identifiers: ClinVar variation 2680525 (VCV002680525.2), dbSNP rs2494062084, ClinGen allele CA377140096.
Genomic context (GRCh38, chr10:71,705,131, plus strand): 5'-TGGTGGCCAGTGATGCAGGCACGCCCACCAAGAGCTCCACCAGCACGCTCACCATCCATG[G>A]TGAGGGGGCGCAGGGGCTTCTGCTGTGTGCTCAGTGTGTGGGCACAGGCCTGGGTCAGGG-3'